The following is an entry in ClinVar:

NM_020911.2(PLXNA4):c.4836C>T (p.Thr1612=)

Gene: PLXNA4 (plexin A4; minus strand). Cytogenetic location: 7q32.3.
Variant type: single nucleotide variant.
Coding change: c.4836C>T on transcript NM_020911.2 (MANE Select); coding-DNA position 4836, C replaced by T.
Protein change: p.Thr1612=; no amino-acid change (threonine 1612 retained).
Molecular consequence: synonymous variant.
Genome position (GRCh38, 1-based): chr7:132,147,928, G>A on the plus strand (C>T on the coding strand, the complement: PLXNA4 is on the minus strand). VCF-style: chr7-132147928-G-A. GRCh37 (hg19) VCF-style: chr7-131832687-G-A.
Other names: c.4836C>T, p.Thr1612= (NM_001393897.1).
Identifiers: ClinVar variation 3358656 (VCV003358656.1).
Genomic context (GRCh38, chr7:132,147,928, plus strand): 5'-AGGCCTCCCTAGGACACTCGGTGGGATCTTACCATATTTACTTGCTGAGGTCCTGGAGAC[G>A]GTGGAGTTGTTCACTGCGTTATAGGCTGTCACCTGCTTGGACACTAATGCCACCACGGAA-3'
Protein context (NP_065962.1, residues 1602-1622): VTAYNAVNNS[Thr1612=]VSRTSASKYE

ClinVar aggregate classification (germline): Likely benign (0 of 4 stars; one submission).

Conditions:
PLXNA4-related disorder. Also called: PLXNA4-related condition.

gnomAD v4.1: 48 of 1,614,012 alleles (0.003%); highest among the groups gnomAD compares: Non-Finnish European, 0.0036%; no homozygotes.

Submission:

PreventionGenetics, part of Exact Sciences
Classification: Likely benign for PLXNA4-related condition. Last evaluated: 2021-07-21. Review status: no assertion criteria provided. Collection method: clinical testing. Allele origin: germline.
Comment: This variant is classified as likely benign based on ACMG/AMP sequence variant interpretation guidelines (Richards et al. 2015 PMID: 25741868, with internal and published modifications).